The following is an entry in ClinVar:

ClinVar aggregate classification (germline): Pathogenic. Review status: criteria provided, multiple submitters, no conflicts (2 of 4 stars). 2 submissions from 2 submitters: Pathogenic (2). Last evaluated 2024-02-09.

Conditions:
Polycystic kidney disease, adult type (PKD1). Also called: Polycystic Kidney Disease 1, Autosomal Dominant; Polycystic kidney disease 1; Polycystic kidney disease 1, severe; Polycystic Kidney, Autosomal Dominant; POLYCYSTIC KIDNEY DISEASE 1 WITH OR WITHOUT POLYCYSTIC LIVER DISEASE; POLYCYSTIC KIDNEY DISEASE, ADULT, TYPE I. Identifiers: MedGen C3149841, MONDO:0008263, OMIM 173900.

Submissions (2):

GeneDx
Classification: Pathogenic. Last evaluated: 2024-02-09. Review status: criteria provided, single submitter. Criteria: GeneDx Variant Classification Process June 2021. Collection method: clinical testing. Allele origin: germline. Affected: yes.
Comment: Frameshift variant predicted to result in protein truncation or nonsense mediated decay in a gene for which loss of function is a known mechanism of disease; Not observed at significant frequency in large population cohorts (gnomAD); This variant is associated with the following publications: (PMID: 23985799)

Victorian Clinical Genetics Services, Murdoch Childrens Research Institute
Classification: Pathogenic for Polycystic kidney disease, adult type. Last evaluated: 2022-02-02. Review status: criteria provided, single submitter. Criteria: ACMG Guidelines, 2015. Collection method: clinical testing. Allele origin: germline. Inheritance: Autosomal dominant inheritance.
Comment: Based on the classification scheme VCGS_Germline_v1.3.4, this variant is classified as Pathogenic. Following criteria are met: 0102 - Loss of function is a known mechanism of disease in this gene and is associated with polycystic kidney disease 1 (MIM#173900). (I) 0107 - This gene is associated with autosomal dominant disease. Polycystic kidney disease 1 (MIM#173900) is predominantly caused by monoallelic variants, with rare reports of biallelic variants causing disease (OMIM). (I) 0201 - Variant is predicted to cause nonsense-mediated decay (NMD) and loss of protein (premature termination codon is located at least 54 nucleotides upstream of the final exon-exon junction). (SP) 0251 - This variant is heterozygous. (I) 0301 - Variant is absent from gnomAD (both v2 and v3). (SP) 0701 - Other NMD-predicted variants comparable to the one identified in this case have very strong previous evidence for pathogenicity. There are multiple NMD-predicted variants that have been reported as pathogenic or likely pathogenic (ClinVar, DECIPHER). (SP) 0807 - This variant has no previous evidence of pathogenicity. (I) 0905 - No published segregation evidence has been identified for this variant. (I) 1007 - No published functional evidence has been identified for this variant. (I) 1102 - Strong phenotype match for this individual. (SP) 1208 - Inheritance information for this variant is not currently available in this individual. (I) Legend: (SP) - Supporting pathogenic, (I) - Information, (SB) - Supporting benign

NM_001009944.3(PKD1):c.10280dup (p.Ser3428fs)

Gene: PKD1 (polycystin 1, transient receptor potential channel interacting; minus strand). Cytogenetic location: 16p13.3.
Variant type: Duplication.
Coding change: c.10280dup on transcript NM_001009944.3 (MANE Select); coding-DNA position 10280, one base duplicated (C; older notation c.10280dupC).
Protein change: p.Ser3428fs; shifts the reading frame from serine 3428.
Molecular consequence: frameshift variant.
Genome position (GRCh38, 1-based): chr16:2,097,444, G duplicated on the plus strand (C on the coding strand, the reverse complement: PKD1 is on the minus strand); the first of 3 consecutive G bases (chr16:2,097,444-2,097,446); duplicating any one gives the same sequence. VCF-style (leftmost placement, unchanged base first): chr16-2097443-C-CG. GRCh37 (hg19) VCF-style: chr16-2147444-C-CG.
Other names: c.10277dup, p.Ser3427fs (NM_000296.4); c.10280dupC (NM_001009944.2); c.10280dup (NM_001009944.2); short protein forms S3427fs, S3428fs.
Identifiers: ClinVar variation 1699349 (VCV001699349.4), dbSNP rs2151726918, ClinGen allele CA2573131745.